The following is an entry in ClinVar:

NM_144573.4(NEXN):c.848A>T (p.Glu283Val)

Gene: NEXN (nexilin F-actin binding protein; plus strand). Cytogenetic location: 1p31.1.
Variant type: single nucleotide variant.
Coding change: c.848A>T on transcript NM_144573.4 (MANE Select); coding-DNA position 848, A replaced by T.
Protein change: p.Glu283Val; replaces glutamic acid 283 with valine.
Molecular consequence: missense variant.
Genome position (GRCh38, 1-based): chr1:77,926,876, A>T. VCF-style: chr1-77926876-A-T. GRCh37 (hg19) VCF-style: chr1-78392561-A-T.
Other names: c.656A>T, p.Glu219Val (NM_001172309.2); short protein forms E219V, E283V.
Identifiers: ClinVar variation 855801 (VCV000855801.13), dbSNP rs374691663, ClinGen allele CA918744.

ClinVar aggregate classification (germline): Uncertain significance. Review status: criteria provided, multiple submitters, no conflicts (2 of 4 stars). 3 submissions from 3 submitters: Uncertain significance (3). Last evaluated 2025-11-24.

Conditions:
Cardiovascular phenotype. Identifiers: MedGen CN230736.
Hypertrophic cardiomyopathy 20. Identifiers: MedGen C3151267, MONDO:0013477, OMIM 613876.
Dilated cardiomyopathy 1CC (CMD1CC). Identifiers: Orphanet 154, MedGen C2751084, MONDO:0013147, OMIM 613122.

Allele frequency attached by ClinVar (database versions not stated): TOPMed below 0.00001; ExAC 0.00002; ESP Exome Variant Server 0.00008.
gnomAD v4.1: 10 of 1,613,926 alleles (0.00062%); highest among the groups gnomAD compares: Admixed American, 0.0017%; no homozygotes.

Submissions (3):

Ambry Genetics
Classification: Uncertain significance for Cardiovascular phenotype. Last evaluated: 2025-11-24. Review status: criteria provided, single submitter. Criteria: Ambry Variant Classification Scheme 2023. Collection method: clinical testing. Allele origin: germline.
Comment: The p.E283V variant (also known as c.848A>T), located in coding exon 7 of the NEXN gene, results from an A to T substitution at nucleotide position 848. The glutamic acid at codon 283 is replaced by valine, an amino acid with dissimilar properties. This amino acid position is conserved. In addition, the in silico prediction for this alteration is inconclusive. Since supporting evidence is limited at this time, the clinical significance of this alteration remains unclear.

GeneDx
Classification: Uncertain significance. Last evaluated: 2021-04-28. Review status: criteria provided, single submitter. Criteria: GeneDx Variant Classification Process June 2021. Collection method: clinical testing. Allele origin: germline. Affected: yes.
Comment: Has not been previously published as pathogenic or benign to our knowledge; Reported in ClinVar as a variant of uncertain significance (ClinVar Variant ID# 855801; Landrum et al., 2016); Not observed at a significant frequency in large population cohorts (Lek et al., 2016); In silico analysis, which includes protein predictors and evolutionary conservation, supports a deleterious effect

Labcorp Genetics (formerly Invitae), Labcorp
Classification: Uncertain significance for Dilated cardiomyopathy 1CC; Hypertrophic cardiomyopathy 20. Last evaluated: 2019-02-21. Review status: criteria provided, single submitter. Criteria: Invitae Variant Classification Sherloc (09022015). Collection method: clinical testing. Allele origin: germline.
Comment: In summary, the available evidence is currently insufficient to determine the role of this variant in disease. Therefore, it has been classified as a Variant of Uncertain Significance. Algorithms developed to predict the effect of missense changes on protein structure and function are either unavailable or do not agree on the potential impact of this missense change (SIFT: "Deleterious"; PolyPhen-2: "Possibly Damaging"; Align-GVGD: "Class C15"). This variant has not been reported in the literature in individuals with NEXN-related conditions. This variant is present in population databases (rs374691663, ExAC 0.003%). This sequence change replaces glutamic acid with valine at codon 283 of the NEXN protein (p.Glu283Val). The glutamic acid residue is highly conserved and there is a moderate physicochemical difference between glutamic acid and valine.